The following is an entry in ClinVar:

NM_001302769.2(PARD3B):c.1326C>A (p.Thr442=)

Gene: PARD3B (par-3 family cell polarity regulator beta; plus strand). Cytogenetic location: 2q33.3.
Variant type: single nucleotide variant.
Coding change: c.1326C>A on transcript NM_001302769.2 (MANE Select); coding-DNA position 1326, C replaced by A.
Protein change: p.Thr442=; no amino-acid change (threonine 442 retained).
Molecular consequence: synonymous variant.
Genome position (GRCh38, 1-based): chr2:205,125,629, C>A. VCF-style: chr2-205125629-C-A. GRCh37 (hg19) VCF-style: chr2-205990353-C-A.
Other names: c.1326C>A, p.Thr442= (NM_057177.7, NM_152526.6, NM_205863.4).
Identifiers: ClinVar variation 3341785 (VCV003341785.16).

ClinVar aggregate classification (germline): Likely benign (1 of 4 stars; one submission).

gnomAD v4.1: 14 of 1,613,716 alleles (0.00087%); highest among the groups gnomAD compares: African/African-American, 0.017%; no homozygotes.

Submission:

CeGaT Center for Human Genetics Tuebingen
Classification: Likely benign. Last evaluated: 2024-09-01. Review status: criteria provided, single submitter. Criteria: CeGaT Center For Human Genetics Tuebingen Variant Classification Criteria Version 2. Collection method: clinical testing. Allele origin: germline. Affected: yes. Observed: 1 variant allele.
Comment: PARD3B: BP4, BP7